The following is an entry in ClinVar:

ClinVar aggregate classification (germline): Uncertain significance (1 of 4 stars; one submission).

Conditions:
Renal cell carcinoma. Identifiers: Orphanet 217071, MedGen C0007134, MeSH D002292, MONDO:0005086, HP:0005584.

Submission:

Labcorp Genetics (formerly Invitae), Labcorp
Classification: Uncertain significance for Renal cell carcinoma. Last evaluated: 2024-02-09. Review status: criteria provided, single submitter. Criteria: Invitae Variant Classification Sherloc (09022015). Collection method: clinical testing. Allele origin: germline.
Comment: This sequence change replaces proline, which is neutral and non-polar, with serine, which is neutral and polar, at codon 366 of the MET protein (p.Pro366Ser). This variant is not present in population databases (gnomAD no frequency). This variant has not been reported in the literature in individuals affected with MET-related conditions. Advanced modeling of protein sequence and biophysical properties (such as structural, functional, and spatial information, amino acid conservation, physicochemical variation, residue mobility, and thermodynamic stability) performed at Invitae indicates that this missense variant is not expected to disrupt MET protein function with a negative predictive value of 80%. In summary, the available evidence is currently insufficient to determine the role of this variant in disease. Therefore, it has been classified as a Variant of Uncertain Significance.

NM_000245.4(MET):c.1096C>T (p.Pro366Ser)

Gene: MET (MET proto-oncogene, receptor tyrosine kinase; plus strand). Cytogenetic location: 7q31.2.
Variant type: single nucleotide variant.
Coding change: c.1096C>T on transcript NM_000245.4 (MANE Select); coding-DNA position 1096, C replaced by T.
Protein change: p.Pro366Ser; replaces proline 366 with serine.
Molecular consequence: missense variant. On other transcripts: intron variant (1).
Genome position (GRCh38, 1-based): chr7:116,700,180, C>T. VCF-style: chr7-116700180-C-T. GRCh37 (hg19) VCF-style: chr7-116340234-C-T.
Other names: c.1096C>T, p.Pro366Ser (NM_001127500.3, NM_001324401.3); c.-91+27603C>T (NM_001324402.2); short protein forms P366S.
Identifiers: ClinVar variation 3637896 (VCV003637896.2).
Genomic context (GRCh38, chr7:116,700,180, plus strand): 5'-TTCGCACAAAGCAAGCCAGATTCTGCCGAACCAATGGATCGATCTGCCATGTGTGCATTC[C>T]CTATCAAATATGTCAACGACTTCTTCAACAAGATCGTCAACAAAAACAATGTGAGATGTC-3'
Protein context (NP_000236.2, residues 356-376): PMDRSAMCAF[Pro366Ser]IKYVNDFFNK